The following is an entry in ClinVar:

NM_000041.4(APOE):c.5A>G (p.Lys2Arg)

Gene: APOE (apolipoprotein E; plus strand). Cytogenetic location: 19q13.32.
Variant type: single nucleotide variant.
Coding change: c.5A>G on transcript NM_000041.4 (MANE Select); coding-DNA position 5, A replaced by G.
Protein change: p.Lys2Arg; replaces lysine 2 with arginine.
Molecular consequence: missense variant.
Genome position (GRCh38, 1-based): chr19:44,906,629, A>G. VCF-style: chr19-44906629-A-G. GRCh37 (hg19) VCF-style: chr19-45409886-A-G.
Other names: c.83A>G, p.Lys28Arg (NM_001302688.2); c.5A>G, p.Lys2Arg (NM_001302689.2, NM_001302690.2, NM_001302691.2); short protein forms K28R, K2R.
Identifiers: ClinVar variation 4876244 (VCV004876244.1).

ClinVar aggregate classification (germline): Uncertain significance (1 of 4 stars; one submission).

Conditions:
Familial hypercholesterolemia. Also called: Familial hypercholesterolemias; Familial hypercholesterolaemia. Identifiers: MedGen C0020445, MONDO:0005439.

gnomAD v4.1: 15 of 1,613,926 alleles (0.00093%); highest among the groups gnomAD compares: Non-Finnish European, 0.0013%; no homozygotes.

Submission:

Cambridge Genomics Laboratory, East Genomic Laboratory Hub, NHS Genomic Medicine Service
Classification: Uncertain significance for Familial hypercholesterolaemia. Last evaluated: 2026-06-17. Review status: criteria provided, single submitter. Criteria: ACGS Best Practice Guidelines for Variant Classification in Rare Disease 2020. Collection method: clinical testing. Allele origin: germline. Affected: yes.
Comment: PM2,BP4